The following is an entry in ClinVar:

ClinVar aggregate classification (germline): Uncertain significance (1 of 4 stars; one submission).

Conditions:
Epidermolysis bullosa simplex 5B, with muscular dystrophy (EBS5B). Also called: Epidermolysis bullosa simplex with muscular dystrophy; EPIDERMOLYSIS BULLOSA SIMPLEX AND LIMB-GIRDLE MUSCULAR DYSTROPHY. Identifiers: Orphanet 257, MedGen C2931072, MONDO:0009181, OMIM 226670.
Autosomal recessive limb-girdle muscular dystrophy type 2Q (LGMDR17). Also called: MUSCULAR DYSTROPHY, LIMB-GIRDLE, AUTOSOMAL RECESSIVE 17. Identifiers: Orphanet 254361, MedGen C3150989, MONDO:0013390, OMIM 613723.
Epidermolysis bullosa simplex with nail dystrophy (EBS5D). Identifiers: MedGen C4225309, MONDO:0014661, OMIM 616487.
Epidermolysis bullosa simplex 5C, with pyloric atresia (EBS5C). Also called: PLEC-Related Epidermolysis Bullosa with Pyloric Atresia; Epidermolysis bullosa simplex with pyloric atresia; PLEC1-Related Epidermolysis Bullosa with Pyloric Atresia. Identifiers: Orphanet 158684, MedGen C2677349, MONDO:0012807, OMIM 612138.
Epidermolysis bullosa simplex, Ogna type (EBS5A). Also called: Pidermolysis bullosa simplex 5A, Ogna type; EPIDERMOLYSIS BULLOSA SIMPLEX 5A, OGNA TYPE. Identifiers: Orphanet 79401, MedGen C0432317, MONDO:0007555, OMIM 131950.

Allele frequency attached by ClinVar (database versions not stated): gnomAD 0.00002; TOPMed 0.00002; gnomAD exomes 0.00003; ExAC 0.00006.
gnomAD v4.1: 20 of 1,600,398 alleles (0.0012%); highest among the groups gnomAD compares: East Asian, 0.009%; no homozygotes.

Submission:

Labcorp Genetics (formerly Invitae), Labcorp
Classification: Uncertain significance for Autosomal recessive limb-girdle muscular dystrophy type 2Q; Epidermolysis bullosa simplex, Ogna type; Epidermolysis bullosa simplex with nail dystrophy; Epidermolysis bullosa simplex 5C, with pyloric atresia; Epidermolysis bullosa simplex 5B, with muscular dystrophy. Last evaluated: 2024-05-09. Review status: criteria provided, single submitter. Criteria: Invitae Variant Classification Sherloc (09022015). Collection method: clinical testing. Allele origin: germline.
Comment: This sequence change replaces arginine, which is basic and polar, with tryptophan, which is neutral and slightly polar, at codon 1035 of the PLEC protein (p.Arg1035Trp). The frequency data for this variant in the population databases is considered unreliable, as metrics indicate poor data quality at this position in the gnomAD database. This variant has not been reported in the literature in individuals affected with PLEC-related conditions. ClinVar contains an entry for this variant (Variation ID: 968439). Advanced modeling of protein sequence and biophysical properties (such as structural, functional, and spatial information, amino acid conservation, physicochemical variation, residue mobility, and thermodynamic stability) performed at Invitae indicates that this missense variant is not expected to disrupt PLEC protein function with a negative predictive value of 80%. In summary, the available evidence is currently insufficient to determine the role of this variant in disease. Therefore, it has been classified as a Variant of Uncertain Significance.

NM_201384.3(PLEC):c.3022C>T (p.Arg1008Trp)

Gene: PLEC (plectin; minus strand). Cytogenetic location: 8q24.3.
Variant type: single nucleotide variant.
Coding change: c.3022C>T on transcript NM_201384.3 (MANE Select); coding-DNA position 3022, C replaced by T.
Protein change: p.Arg1008Trp; replaces arginine 1008 with tryptophan.
Molecular consequence: missense variant.
Genome position (GRCh38, 1-based): chr8:143,929,473, G>A on the plus strand (C>T on the coding strand, the complement: PLEC is on the minus strand). VCF-style: chr8-143929473-G-A. GRCh37 (hg19) VCF-style: chr8-145003641-G-A.
Other names: c.3103C>T, p.Arg1035Trp (NM_000445.5); c.2980C>T, p.Arg994Trp (NM_201378.4); c.2956C>T, p.Arg986Trp (NM_201379.3); c.3433C>T, p.Arg1145Trp (NM_201380.4); c.2926C>T, p.Arg976Trp (NM_201381.3); c.3022C>T, p.Arg1008Trp (NM_201382.4); c.3034C>T, p.Arg1012Trp (NM_201383.3); short protein forms R1145W, R986W, R994W, R976W, R1008W, R1012W, R1035W.
Identifiers: ClinVar variation 968439 (VCV000968439.6), dbSNP rs782746904, ClinGen allele CA4927256.